The following is an entry in ClinVar:

ClinVar aggregate classification (germline): Uncertain significance (1 of 4 stars; one submission).

Conditions:
Fanconi anemia (FA). Also called: Fanconi's anemia. Identifiers: Orphanet 84, MedGen C0015625, MeSH D005199, MONDO:0019391.

Allele frequency attached by ClinVar (database versions not stated): gnomAD exomes below 0.00001; ExAC 0.00001.
gnomAD v4.1: 3 of 1,596,378 alleles (0.00019%); highest among the groups gnomAD compares: East Asian, 0.0022%; no homozygotes.

Submission:

Labcorp Genetics (formerly Invitae), Labcorp
Classification: Uncertain significance for Fanconi anemia. Last evaluated: 2022-08-09. Review status: criteria provided, single submitter. Criteria: Invitae Variant Classification Sherloc (09022015). Collection method: clinical testing. Allele origin: germline.
Comment: This sequence change replaces glutamic acid, which is acidic and polar, with lysine, which is basic and polar, at codon 1416 of the FANCM protein (p.Glu1416Lys). This variant is present in population databases (rs761766810, gnomAD 0.0009%). This variant has not been reported in the literature in individuals affected with FANCM-related conditions. Algorithms developed to predict the effect of missense changes on protein structure and function are either unavailable or do not agree on the potential impact of this missense change (SIFT: "Deleterious"; PolyPhen-2: "Possibly Damaging"; Align-GVGD: "Class C0"). In summary, the available evidence is currently insufficient to determine the role of this variant in disease. Therefore, it has been classified as a Variant of Uncertain Significance.

NM_020937.4(FANCM):c.4246G>A (p.Glu1416Lys)

Gene: FANCM (FA complementation group M; plus strand). Cytogenetic location: 14q21.2.
Variant type: single nucleotide variant.
Coding change: c.4246G>A on transcript NM_020937.4 (MANE Select); coding-DNA position 4246, G replaced by A.
Protein change: p.Glu1416Lys; replaces glutamic acid 1416 with lysine.
Molecular consequence: missense variant.
Genome position (GRCh38, 1-based): chr14:45,181,453, G>A. VCF-style: chr14-45181453-G-A. GRCh37 (hg19) VCF-style: chr14-45650656-G-A.
Other names: c.4168G>A, p.Glu1390Lys (NM_001308133.2); short protein forms E1416K, E1390K.
Identifiers: ClinVar variation 2040901 (VCV002040901.4), dbSNP rs761766810, ClinGen allele CA7169666.